The following is an entry in ClinVar:

NM_015559.3(SETBP1):c.2887A>G (p.Lys963Glu)

Gene: SETBP1 (SET binding protein 1; plus strand). Cytogenetic location: 18q12.3.
Variant type: single nucleotide variant.
Coding change: c.2887A>G on transcript NM_015559.3 (MANE Select); coding-DNA position 2887, A replaced by G.
Protein change: p.Lys963Glu; replaces lysine 963 with glutamic acid.
Molecular consequence: missense variant.
Genome position (GRCh38, 1-based): chr18:44,952,227, A>G. VCF-style: chr18-44952227-A-G. GRCh37 (hg19) VCF-style: chr18-42532192-A-G.
Other names: c.2887A>G, p.Lys963Glu (NM_001379141.1, NM_001379142.1, NM_001410862.1); short protein forms K963E.
Identifiers: ClinVar variation 1809862 (VCV001809862.7), dbSNP rs2511473699, ClinGen allele CA402322499.

ClinVar aggregate classification (germline): Uncertain significance. Review status: criteria provided, multiple submitters, no conflicts (2 of 4 stars). 3 submissions from 3 submitters: Uncertain significance (3). Last evaluated 2025-06-09.

Conditions:
Inborn genetic diseases. Identifiers: MedGen C0950123, MeSH D030342.

Submissions (3):

Ambry Genetics
Classification: Uncertain significance for Inborn genetic diseases. Last evaluated: 2025-06-09. Review status: criteria provided, single submitter. Criteria: Ambry Variant Classification Scheme 2023. Collection method: clinical testing. Allele origin: germline.

GeneDx
Classification: Uncertain significance. Last evaluated: 2023-01-10. Review status: criteria provided, single submitter. Criteria: GeneDx Variant Classification Process June 2021. Collection method: clinical testing. Allele origin: germline. Affected: yes.
Comment: Not observed at significant frequency in large population cohorts (gnomAD); In silico analysis supports that this missense variant does not alter protein structure/function; Has not been previously published as pathogenic or benign to our knowledge

Labcorp Genetics (formerly Invitae), Labcorp
Classification: Uncertain significance. Last evaluated: 2022-10-10. Review status: criteria provided, single submitter. Criteria: Invitae Variant Classification Sherloc (09022015). Collection method: clinical testing. Allele origin: germline.
Comment: In summary, the available evidence is currently insufficient to determine the role of this variant in disease. Therefore, it has been classified as a Variant of Uncertain Significance. Advanced modeling of protein sequence and biophysical properties (such as structural, functional, and spatial information, amino acid conservation, physicochemical variation, residue mobility, and thermodynamic stability) performed at Invitae indicates that this missense variant is expected to disrupt SETBP1 protein function. This variant has not been reported in the literature in individuals affected with SETBP1-related conditions. This variant is not present in population databases (gnomAD no frequency). This sequence change replaces lysine, which is basic and polar, with glutamic acid, which is acidic and polar, at codon 963 of the SETBP1 protein (p.Lys963Glu).